The following is an entry in ClinVar:

NM_000059.4(BRCA2):c.2161C>A (p.Pro721Thr)

Gene: BRCA2 (BRCA2 DNA repair associated; plus strand). Cytogenetic location: 13q13.1.
Variant type: single nucleotide variant.
Coding change: c.2161C>A on transcript NM_000059.4 (MANE Select); coding-DNA position 2161, C replaced by A.
Protein change: p.Pro721Thr; replaces proline 721 with threonine.
Molecular consequence: missense variant.
Genome position (GRCh38, 1-based): chr13:32,336,516, C>A. VCF-style: chr13-32336516-C-A. GRCh37 (hg19) VCF-style: chr13-32910653-C-A.
Other names: short protein forms P721T.
Identifiers: ClinVar variation 1046411 (VCV001046411.10), dbSNP rs867089743, ClinGen allele CA387770250.

ClinVar aggregate classification (germline): Conflicting classifications of pathogenicity. Review status: criteria provided, conflicting classifications (1 of 4 stars). 2 submissions from 2 submitters: Uncertain significance (1); Likely benign (1). Last evaluated 2023-03-23.

Conditions:
Hereditary cancer-predisposing syndrome. Also called: Hereditary Cancer Syndrome; Tumor predisposition; Hereditary neoplastic syndrome; Neoplastic Syndromes, Hereditary. Identifiers: Orphanet 140162, MedGen C0027672, MeSH D009386, MONDO:0015356.
Hereditary breast ovarian cancer syndrome. Also called: Hereditary breast and/or ovarian cancer syndrome; Hereditary breast and ovarian cancer syndrome; Hereditary breast and ovarian cancer syndrome (HBOC); Breast and ovarian cancer; Hereditary breast and ovarian cancer; BRCA1- and BRCA2-Associated Hereditary Breast and Ovarian Cancer. Identifiers: Orphanet 145, MedGen C0677776, MeSH D061325, MONDO:0003582. Disease mechanism: loss of function.

Submissions (2):

University of Washington Department of Laboratory Medicine, University of Washington
Classification: Likely benign for Hereditary cancer-predisposing syndrome. Last evaluated: 2023-03-23. Review status: criteria provided, single submitter. Criteria: Dines et al. (Genet Med. 2020). Collection method: curation. Allele origin: germline.
Comment: Missense variant in a coldspot region where missense variants are very unlikely to be pathogenic (PMID:31911673).

BRCA2 exon 11 coldspot. Reclassification based on statistical prior probability.

Labcorp Genetics (formerly Invitae), Labcorp
Classification: Uncertain significance for Hereditary breast ovarian cancer syndrome. Last evaluated: 2020-08-20. Review status: criteria provided, single submitter. Criteria: Invitae Variant Classification Sherloc (09022015). Collection method: clinical testing. Allele origin: germline.
Comment: This sequence change replaces proline with threonine at codon 721 of the BRCA2 protein (p.Pro721Thr). The proline residue is weakly conserved and there is a small physicochemical difference between proline and threonine. This variant is not present in population databases (ExAC no frequency). This variant has not been reported in the literature in individuals with BRCA2-related conditions. Advanced modeling of protein sequence and biophysical properties (such as structural, functional, and spatial information, amino acid conservation, physicochemical variation, residue mobility, and thermodynamic stability) performed at Invitae indicates that this missense variant is not expected to disrupt BRCA2 protein function. In summary, the available evidence is currently insufficient to determine the role of this variant in disease. Therefore, it has been classified as a Variant of Uncertain Significance.